The following is an entry in ClinVar:

ClinVar aggregate classification (germline): Benign/Likely benign. Review status: criteria provided, multiple submitters, no conflicts (2 of 4 stars). 4 submissions from 4 submitters: Benign (1); Likely benign (3). Last evaluated 2024-11-30.

Conditions:
Hereditary cancer-predisposing syndrome. Also called: Neoplastic Syndromes, Hereditary; Hereditary neoplastic syndrome; Tumor predisposition; Hereditary Cancer Syndrome. Identifiers: Orphanet 140162, MedGen C0027672, MeSH D009386, MONDO:0015356.
Ataxia-telangiectasia syndrome (AT). Also called: Ataxia telangiectasia (A-T); Cerebello-oculocutaneous telangiectasia; Immunodeficiency with ataxia telangiectasia; LOUIS-BAR SYNDROME; AT, COMPLEMENTATION GROUP C; ATAXIA-TELANGIECTASIA, FRESNO VARIANT. Identifiers: Orphanet 100, MedGen C0004135, MONDO:0008840, OMIM 208900.
Familial cancer of breast. Also called: hereditary breast carcinoma; Hereditary breast cancer; BREAST CANCER, FAMILIAL. Identifiers: Orphanet 227535, MedGen C0346153, MONDO:0016419, OMIM 114480. Disease mechanism: loss of function.

Submissions (4):

Labcorp Genetics (formerly Invitae), Labcorp
Classification: Likely benign for Ataxia-telangiectasia syndrome. Last evaluated: 2024-11-30. Review status: criteria provided, single submitter. Criteria: Invitae Variant Classification Sherloc (09022015). Collection method: clinical testing. Allele origin: germline.

Myriad Genetics, Inc.
Classification: Benign for Familial cancer of breast. Last evaluated: 2024-06-24. Review status: criteria provided, single submitter. Criteria: Myriad Autosomal Dominant, Autosomal Recessive and X-Linked Classification Criteria (2023). Collection method: clinical testing. Allele origin: unknown.
Comment: This variant is considered benign. This variant is a silent/synonymous amino acid change and it is not expected to impact splicing.

GeneDx
Classification: Likely benign. Last evaluated: 2019-07-22. Review status: criteria provided, single submitter. Criteria: GeneDx Variant Classification Process June 2021. Collection method: clinical testing. Allele origin: germline. Affected: yes.

Ambry Genetics
Classification: Likely benign for Hereditary cancer-predisposing syndrome. Last evaluated: 2015-04-14. Review status: criteria provided, single submitter. Criteria: Ambry Variant Classification Scheme 2023. Collection method: clinical testing. Allele origin: germline.

NM_000051.4(ATM):c.9039A>G (p.Leu3013=)

Genes: ATM (ATM serine/threonine kinase; plus strand), C11orf65 (chromosome 11 open reading frame 65; minus strand). Cytogenetic location: 11q22.3.
Variant type: single nucleotide variant.
Coding change: c.9039A>G on transcript NM_000051.4 (MANE Select); coding-DNA position 9039, A replaced by G.
Protein change: p.Leu3013=; no amino-acid change (leucine 3013 retained).
Molecular consequence: synonymous variant. On other transcripts: intron variant (2).
Genome position (GRCh38, 1-based): chr11:108,365,376, A>G. VCF-style: chr11-108365376-A-G. GRCh37 (hg19) VCF-style: chr11-108236103-A-G.
Other names: c.9039A>G, p.Leu3013= (NM_001351834.2); c.640+20544T>C (NM_001330368.2); c.694+20544T>C (NM_001351110.2).
Identifiers: ClinVar variation 231382 (VCV000231382.20), dbSNP rs876659127, ClinGen allele CA10579338.
Genomic context (GRCh38, chr11:108,365,376, plus strand): 5'-TGTCCTTAGTGATATTGACCAGAGTTTCAACAAAGTAGCTGAACGTGTCTTAATGAGACT[A>G]CAAGAGAAACTGAAAGGAGTGGAAGAAGGCACTGTGCTCAGTGTTGGTGGACAAGTGAAT-3'
Protein context (NP_000042.3, residues 3003-3023): NKVAERVLMR[Leu3013=]QEKLKGVEEG